The following is an entry in ClinVar:

NM_032793.5(MFSD2A):c.397A>G (p.Ile133Val)

Gene: MFSD2A (MFSD2 lysolipid transporter A, lysophospholipid; plus strand). Cytogenetic location: 1p34.2.
Variant type: single nucleotide variant.
Coding change: c.397A>G on transcript NM_032793.5 (MANE Select); coding-DNA position 397, A replaced by G.
Protein change: p.Ile133Val; replaces isoleucine 133 with valine.
Molecular consequence: missense variant. On other transcripts: 5 prime UTR variant (1), non-coding transcript variant (1).
Genome position (GRCh38, 1-based): chr1:39,965,254, A>G. VCF-style: chr1-39965254-A-G. GRCh37 (hg19) VCF-style: chr1-40430926-A-G.
Other names: c.436A>G, p.Ile146Val (NM_001136493.3); c.-72A>G (NM_001287808.2); c.286A>G, p.Ile96Val (NM_001287809.2); c.391A>G, p.Ile131Val (NM_001349821.2); c.397A>G, p.Ile133Val (NM_001349822.2); c.52A>G, p.Ile18Val (NM_001349823.2); short protein forms I131V, I146V, I96V, I18V, I133V.
Identifiers: ClinVar variation 1918712 (VCV001918712.5), dbSNP rs758171164, ClinGen allele CA339833915.

ClinVar aggregate classification (germline): Uncertain significance (1 of 4 stars; one submission).

Allele frequency attached by ClinVar (database versions not stated): gnomAD exomes below 0.00001.

Submission:

Labcorp Genetics (formerly Invitae), Labcorp
Classification: Uncertain significance. Last evaluated: 2024-10-07. Review status: criteria provided, single submitter. Criteria: Invitae Variant Classification Sherloc (09022015). Collection method: clinical testing. Allele origin: germline.
Comment: This sequence change replaces isoleucine, which is neutral and non-polar, with valine, which is neutral and non-polar, at codon 146 of the MFSD2A protein (p.Ile146Val). This variant is present in population databases (no rsID available, gnomAD 0.0009%). This variant has not been reported in the literature in individuals affected with MFSD2A-related conditions. ClinVar contains an entry for this variant (Variation ID: 1918712). Invitae Evidence Modeling of protein sequence and biophysical properties (such as structural, functional, and spatial information, amino acid conservation, physicochemical variation, residue mobility, and thermodynamic stability) indicates that this missense variant is not expected to disrupt MFSD2A protein function with a negative predictive value of 80%. In summary, the available evidence is currently insufficient to determine the role of this variant in disease. Therefore, it has been classified as a Variant of Uncertain Significance.